The following is an entry in ClinVar:

ClinVar aggregate classification (germline): Uncertain significance. Review status: criteria provided, multiple submitters, no conflicts (2 of 4 stars). 2 submissions from 2 submitters: Uncertain significance (2). Last evaluated 2025-03-04.

Conditions:
Hereditary cancer-predisposing syndrome. Also called: Hereditary Cancer Syndrome; Hereditary neoplastic syndrome; Neoplastic Syndromes, Hereditary; Tumor predisposition. Identifiers: Orphanet 140162, MedGen C0027672, MeSH D009386, MONDO:0015356.
Birt-Hogg-Dube syndrome. Also called: Birt Hogg Dubé syndrome. Identifiers: Orphanet 122, MedGen C0346010, MONDO:0800444.

Submissions (2):

Labcorp Genetics (formerly Invitae), Labcorp
Classification: Uncertain significance for Birt-Hogg-Dube syndrome. Last evaluated: 2025-03-04. Review status: criteria provided, single submitter. Criteria: Invitae Variant Classification Sherloc (09022015). Collection method: clinical testing. Allele origin: germline.
Comment: This sequence change replaces threonine, which is neutral and polar, with isoleucine, which is neutral and non-polar, at codon 532 of the FLCN protein (p.Thr532Ile). This variant is not present in population databases (gnomAD no frequency). This variant has not been reported in the literature in individuals affected with FLCN-related conditions. ClinVar contains an entry for this variant (Variation ID: 3515627). Invitae Evidence Modeling of protein sequence and biophysical properties (such as structural, functional, and spatial information, amino acid conservation, physicochemical variation, residue mobility, and thermodynamic stability) indicates that this missense variant is not expected to disrupt FLCN protein function with a negative predictive value of 80%. In summary, the available evidence is currently insufficient to determine the role of this variant in disease. Therefore, it has been classified as a Variant of Uncertain Significance.

Ambry Genetics
Classification: Uncertain significance for Hereditary cancer-predisposing syndrome. Last evaluated: 2024-07-13. Review status: criteria provided, single submitter. Criteria: Ambry Variant Classification Scheme 2023. Collection method: clinical testing. Allele origin: germline.
Comment: The p.T532I variant (also known as c.1595C>T), located in coding exon 11 of the FLCN gene, results from a C to T substitution at nucleotide position 1595. The threonine at codon 532 is replaced by isoleucine, an amino acid with similar properties. This amino acid position is conserved. In addition, this alteration is predicted to be deleterious by in silico analysis. Based on the available evidence, the clinical significance of this variant remains unclear.

NM_144997.7(FLCN):c.1595C>T (p.Thr532Ile)

Gene: FLCN (folliculin; minus strand). Cytogenetic location: 17p11.2.
Variant type: single nucleotide variant.
Coding change: c.1595C>T on transcript NM_144997.7 (MANE Select); coding-DNA position 1595, C replaced by T.
Protein change: p.Thr532Ile; replaces threonine 532 with isoleucine.
Molecular consequence: missense variant.
Genome position (GRCh38, 1-based): chr17:17,213,800, G>A on the plus strand (C>T on the coding strand, the complement: FLCN is on the minus strand). VCF-style: chr17-17213800-G-A. GRCh37 (hg19) VCF-style: chr17-17117114-G-A.
Other names: c.1649C>T, p.Thr550Ile (NM_001353229.2); c.1595C>T, p.Thr532Ile (NM_001353230.2, NM_001353231.2); short protein forms T532I, T550I.
Identifiers: ClinVar variation 3515627 (VCV003515627.2).